The following is an entry in ClinVar:

NM_002907.4(RECQL):c.73A>T (p.Ile25Phe)

Gene: RECQL (RecQ like helicase; minus strand). Cytogenetic location: 12p12.1.
Variant type: single nucleotide variant.
Coding change: c.73A>T on transcript NM_002907.4 (MANE Select); coding-DNA position 73, A replaced by T.
Protein change: p.Ile25Phe; replaces isoleucine 25 with phenylalanine.
Molecular consequence: missense variant.
Genome position (GRCh38, 1-based): chr12:21,491,660, T>A on the plus strand (A>T on the coding strand, the complement: RECQL is on the minus strand). VCF-style: chr12-21491660-T-A. GRCh37 (hg19) VCF-style: chr12-21644594-T-A.
Other names: c.73A>T, p.Ile25Phe (NM_032941.3); short protein forms I25F.
Identifiers: ClinVar variation 854167 (VCV000854167.16), dbSNP rs754545736, ClinGen allele CA6479211.
Genomic context (GRCh38, chr12:21,491,660, plus strand): 5'-TCTTTGTCAGGACTTTTTTTTTCTGAATAAGCTCTTGTTGCCTTTCCGTAAGTTCTTGAA[T>A]TTGAATTTCTACTGCATGTAGCTCACTGGTTATAGAATCCAGTTCCTCAGTTAGAGCTAT-3'
Protein context (NP_002898.2, residues 15-35): TSELHAVEIQ[Ile25Phe]QELTERQQEL

ClinVar aggregate classification (germline): Uncertain significance. Review status: criteria provided, multiple submitters, no conflicts (2 of 4 stars). 3 submissions from 3 submitters: Uncertain significance (3). Last evaluated 2025-11-10.

Allele frequency attached by ClinVar (database versions not stated): gnomAD 0.00001; ExAC 0.00005; TOPMed 0.00006; gnomAD exomes 0.00007.

Submissions (3):

Labcorp Genetics (formerly Invitae), Labcorp
Classification: Uncertain significance. Last evaluated: 2025-11-10. Review status: criteria provided, single submitter. Criteria: Invitae Variant Classification Sherloc (09022015). Collection method: clinical testing. Allele origin: germline.
Comment: This sequence change replaces isoleucine, which is neutral and non-polar, with phenylalanine, which is neutral and non-polar, at codon 25 of the RECQL protein (p.Ile25Phe). This variant is present in population databases (rs754545736, gnomAD 0.05%). This variant has not been reported in the literature in individuals affected with RECQL-related conditions. ClinVar contains an entry for this variant (Variation ID: 854167). An algorithm developed to predict the effect of missense changes on protein structure and function (PolyPhen-2) suggests that this variant is likely to be disruptive. In summary, the available evidence is currently insufficient to determine the role of this variant in disease. Therefore, it has been classified as a Variant of Uncertain Significance.

Quest Diagnostics Nichols Institute San Juan Capistrano
Classification: Uncertain significance. Last evaluated: 2025-04-28. Review status: criteria provided, single submitter. Criteria: Quest Diagnostics criteria. Collection method: clinical testing. Allele origin: unknown.
Comment: The RECQL c.73A>T (p.Ile25Phe) variant has not been reported in individuals with RECQL-related conditions in the published literature. The frequency of this variant in the general population (Genome Aggregation Database) is higher than would generally be expected for pathogenic variants in this gene. Analysis of this variant using bioinformatics tools for the prediction of the effect of amino acid changes on protein structure and function yielded conflicting predictions that this variant is benign or damaging. Based on the available information, we are unable to determine the clinical significance of this variant.

GeneDx
Classification: Uncertain significance. Last evaluated: 2024-02-02. Review status: criteria provided, single submitter. Criteria: GeneDx Variant Classification Process June 2021. Collection method: clinical testing. Allele origin: germline. Affected: yes.
Comment: In silico analysis supports that this missense variant has a deleterious effect on protein structure/function; Has not been previously published as pathogenic or benign to our knowledge; This variant is associated with the following publications: (PMID: 27248010)